The following is an entry in ClinVar:

NM_014363.6(SACS):c.11674dup (p.Ser3892fs)

Gene: SACS (sacsin molecular chaperone; minus strand). Cytogenetic location: 13q12.12.
Variant type: Duplication.
Coding change: c.11674dup on transcript NM_014363.6 (MANE Select); coding-DNA position 11674, one base duplicated (T; older notation c.11674dupT).
Protein change: p.Ser3892fs; shifts the reading frame from serine 3892.
Molecular consequence: frameshift variant.
Genome position (GRCh38, 1-based): chr13:23,332,202, A duplicated on the plus strand (T on the coding strand, the reverse complement: SACS is on the minus strand); the first of 2 consecutive A bases (chr13:23,332,202-23,332,203); duplicating either gives the same sequence. VCF-style (leftmost placement, unchanged base first): chr13-23332201-G-GA. GRCh37 (hg19) VCF-style: chr13-23906340-G-GA.
Other names: c.11233dup, p.Ser3745fs (NM_001278055.2); short protein forms S3745fs, S3892fs.
Identifiers: ClinVar variation 1069999 (VCV001069999.9), dbSNP rs2137564626, ClinGen allele CA2499221971.
Genomic context (GRCh38, chr13:23,332,201, plus strand): 5'-TGGCTTGGGAGGTAAAGCGCAAGGTCTCGTACATTCTCGAGATCACTCCTCACCTTGACT[G>GA]AATCATTCTGTAGACTCCTGAACAGACCAGAAACTACTCTCTTAACTGTACGCATTTCAT-3'

ClinVar aggregate classification (germline): Pathogenic (1 of 4 stars; one submission).

Conditions:
Spastic paraplegia. Identifiers: MedGen C0037772, HP:0001258.

Submission:

Labcorp Genetics (formerly Invitae), Labcorp
Classification: Pathogenic for Spastic paraplegia. Last evaluated: 2020-10-14. Review status: criteria provided, single submitter. Criteria: Invitae Variant Classification Sherloc (09022015). Collection method: clinical testing. Allele origin: germline.
Comment: This variant has not been reported in the literature in individuals with SACS-related conditions. This variant disrupts the C-terminus of the SACS protein. Other variant(s) that disrupt this region (p.Glu4418Lysfs*46) have been determined to be pathogenic (Invitae). This suggests that variants that disrupt this region of the protein are likely to be causative of disease. For these reasons, this variant has been classified as Pathogenic. This variant is not present in population databases (ExAC no frequency). This sequence change results in a premature translational stop signal in the SACS gene (p.Ser3892Phefs*7). While this is not anticipated to result in nonsense mediated decay, it is expected to disrupt the last 688 amino acid(s) of the SACS protein.